The following is an entry in ClinVar:

ClinVar aggregate classification (germline): Uncertain significance. Review status: criteria provided, multiple submitters, no conflicts (2 of 4 stars). 2 submissions from 2 submitters: Uncertain significance (2). Last evaluated 2023-06-21.

Conditions:
Inborn genetic diseases. Identifiers: MedGen C0950123, MeSH D030342.

Allele frequency attached by ClinVar (database versions not stated): gnomAD 0.00001; TOPMed 0.00001; ExAC 0.00002.
gnomAD v4.1: 29 of 1,614,016 alleles (0.0018%); highest among the groups gnomAD compares: Non-Finnish European, 0.0024%; no homozygotes.

Submissions (2):

Ambry Genetics
Classification: Uncertain significance for Inborn genetic diseases. Last evaluated: 2023-06-21. Review status: criteria provided, single submitter. Criteria: Ambry Variant Classification Scheme 2023. Collection method: clinical testing. Allele origin: germline.

Labcorp Genetics (formerly Invitae), Labcorp
Classification: Uncertain significance. Last evaluated: 2021-12-29. Review status: criteria provided, single submitter. Criteria: Invitae Variant Classification Sherloc (09022015). Collection method: clinical testing. Allele origin: germline.
Comment: This variant has not been reported in the literature in individuals affected with LAMA1-related conditions. In summary, the available evidence is currently insufficient to determine the role of this variant in disease. Therefore, it has been classified as a Variant of Uncertain Significance. Algorithms developed to predict the effect of missense changes on protein structure and function are either unavailable or do not agree on the potential impact of this missense change (SIFT: "Tolerated"; PolyPhen-2: "Possibly Damaging"; Align-GVGD: "Class C0"). This variant is present in population databases (rs775395617, gnomAD 0.004%). This sequence change replaces lysine, which is basic and polar, with asparagine, which is neutral and polar, at codon 2364 of the LAMA1 protein (p.Lys2364Asn).

NM_005559.4(LAMA1):c.7092G>C (p.Lys2364Asn)

Gene: LAMA1 (laminin subunit alpha 1; minus strand). Cytogenetic location: 18p11.31.
Variant type: single nucleotide variant.
Coding change: c.7092G>C on transcript NM_005559.4 (MANE Select); coding-DNA position 7092, G replaced by C.
Protein change: p.Lys2364Asn; replaces lysine 2364 with asparagine.
Molecular consequence: missense variant.
Genome position (GRCh38, 1-based): chr18:6,965,391, C>G on the plus strand (G>C on the coding strand, the complement: LAMA1 is on the minus strand). VCF-style: chr18-6965391-C-G. GRCh37 (hg19) VCF-style: chr18-6965390-C-G.
Other names: c.7092G>C (NM_005559.3); short protein forms K2364N.
Identifiers: ClinVar variation 2187981 (VCV002187981.6), dbSNP rs775395617, ClinGen allele CA8881014.